The following is an entry in ClinVar:

ClinVar aggregate classification (germline): Uncertain significance (1 of 4 stars; one submission).

Conditions:
Gorlin syndrome. Also called: Basal cell nevus syndrome; Nevoid Basal Cell Carcinoma Syndrome. Identifiers: Orphanet 377, MedGen C0004779, MONDO:0007187.

Allele frequency attached by ClinVar (database versions not stated): gnomAD exomes below 0.00001; ExAC 0.00001; TOPMed 0.00001; gnomAD 0.00002.
gnomAD v4.1: 4 of 1,613,734 alleles (0.00025%); highest among the groups gnomAD compares: African/African-American, 0.0053%; no homozygotes.

Submission:

Labcorp Genetics (formerly Invitae), Labcorp
Classification: Uncertain significance for Gorlin syndrome. Last evaluated: 2018-10-23. Review status: criteria provided, single submitter. Criteria: Invitae Variant Classification Sherloc (09022015). Collection method: clinical testing. Allele origin: germline.
Comment: In summary, the available evidence is currently insufficient to determine the role of this variant in disease. Therefore, it has been classified as a Variant of Uncertain Significance. Algorithms developed to predict the effect of missense changes on protein structure and function (SIFT, PolyPhen-2, Align-GVGD) all suggest that this variant is likely to be tolerated, but these predictions have not been confirmed by published functional studies and their clinical significance is uncertain. This variant has not been reported in the literature in individuals with PTCH2-related disease. The frequency data for this variant in the population databases is considered unreliable, as metrics indicate poor data quality at this position in the ExAC database. This sequence change replaces tyrosine with cysteine at codon 1173 of the PTCH2 protein (p.Tyr1173Cys). The tyrosine residue is moderately conserved and there is a large physicochemical difference between tyrosine and cysteine.

NM_003738.5(PTCH2):c.3518A>G (p.Tyr1173Cys)

Gene: PTCH2 (patched 2; minus strand). Cytogenetic location: 1p34.1.
Variant type: single nucleotide variant.
Coding change: c.3518A>G on transcript NM_003738.5 (MANE Select); coding-DNA position 3518, A replaced by G.
Protein change: p.Tyr1173Cys; replaces tyrosine 1173 with cysteine.
Molecular consequence: missense variant. On other transcripts: intron variant (1).
Genome position (GRCh38, 1-based): chr1:44,822,509, T>C on the plus strand (A>G on the coding strand, the complement: PTCH2 is on the minus strand). VCF-style: chr1-44822509-T-C. GRCh37 (hg19) VCF-style: chr1-45288181-T-C.
Other names: c.3425+93A>G (NM_001166292.2); short protein forms Y1173C.
Identifiers: ClinVar variation 641723 (VCV000641723.9), dbSNP rs771112499, ClinGen allele CA822660.